The following is an entry in ClinVar:

ClinVar aggregate classification (germline): not provided (0 of 4 stars; one submission).

Allele frequency attached by ClinVar (database versions not stated): ExAC 0.00002; gnomAD 0.00002; TOPMed 0.00004 and 0.00002; gnomAD exomes 0.00002.
gnomAD v4.1: 33 of 1,613,958 alleles (0.002%); highest among the groups gnomAD compares: East Asian, 0.0067%; no homozygotes.

Submission:

ITMI
No classification provided. Condition: AllHighlyPenetrant. Last evaluated: 2013-09-19. Review status: no classification provided. Collection method: reference population. Allele origin: germline.
Comment: Please see associated publication for description of ethnicities

Literature cited by the submitters: PubMed 24728327.

NM_004119.3(FLT3):c.2957C>T (p.Pro986Leu)

Gene: FLT3 (fms related receptor tyrosine kinase 3; minus strand). Cytogenetic location: 13q12.2.
Variant type: single nucleotide variant.
Coding change: c.2957C>T on transcript NM_004119.3 (MANE Select); coding-DNA position 2957, C replaced by T.
Protein change: p.Pro986Leu; replaces proline 986 with leucine.
Molecular consequence: missense variant. On other transcripts: non-coding transcript variant (1).
Genome position (GRCh38, 1-based): chr13:28,004,077, G>A on the plus strand (C>T on the coding strand, the complement: FLT3 is on the minus strand). VCF-style: chr13-28004077-G-A. GRCh37 (hg19) VCF-style: chr13-28578214-G-A.
Other names: short protein forms P986L.
Identifiers: ClinVar variation 134439 (VCV000134439.1), dbSNP rs587778369, ClinGen allele CA159822.
Genomic context (GRCh38, chr13:28,004,077, plus strand): 5'-TGGAGGGATGAAGTCCTTAAAACTAAATTGTTCCTCTACGAATCTTCGACCTGAGCCTGC[G>A]GAGAGAGTAGCCCCAAATCCATCTCTCTGCTGAAAGGTCGCCTGTTTTGGTAGGTGTGAG-3'
Protein context (NP_004110.2, residues 976-993): SREMDLGLLS[Pro986Leu]QAQVEDS